The following is an entry in ClinVar:

NM_020822.3(KCNT1):c.3156+15T>C

Gene: KCNT1 (potassium sodium-activated channel subfamily T member 1; plus strand). Cytogenetic location: 9q34.3.
Variant type: single nucleotide variant.
Coding change: c.3156+15T>C on transcript NM_020822.3 (MANE Select); 15 bases into the intron after coding-DNA position 3156, T replaced by C.
Molecular consequence: intron variant.
Genome position (GRCh38, 1-based): chr9:135,784,904, T>C. VCF-style: chr9-135784904-T-C. GRCh37 (hg19) VCF-style: chr9-138676750-T-C.
Other names: c.3021+15T>C (NM_001272003.2).
Identifiers: ClinVar variation 392401 (VCV000392401.1), dbSNP rs910734807, ClinGen allele CA16605461.
Genomic context (GRCh38, chr9:135,784,904, plus strand): 5'-CATTGGCATCTACCGGACAGAGAGCCACGTCTTCTCCACCTCGGAGGTTCTGGGGCAGCC[T>C]GGGGGCTGGGACTGTGGCAGCCCCTGTCCTGTGTGACCCACAGCATCCCCACCTTCCGGG-3'

ClinVar aggregate classification (germline): Likely benign (1 of 4 stars; one submission).

Allele frequency attached by ClinVar (database versions not stated): gnomAD exomes 0.00001 and 0.00006; TOPMed 0.00005.
gnomAD v4.1: 80 of 1,610,526 alleles (0.005%); highest among the groups gnomAD compares: Non-Finnish European, 0.0068%; 1 homozygote.

Submission:

GeneDx
Classification: Likely benign. Last evaluated: 2017-08-24. Review status: criteria provided, single submitter. Criteria: GeneDx Variant Classification (06012015). Collection method: clinical testing. Allele origin: germline. Affected: yes.
Comment: This variant is considered likely benign or benign based on one or more of the following criteria: it is a conservative change, it occurs at a poorly conserved position in the protein, it is predicted to be benign by multiple in silico algorithms, and/or has population frequency not consistent with disease.